The following is an entry in ClinVar:

NC_000001.10:g.(?_196857181)_(196887764_?)del

Gene: CFHR4 (complement factor H related 4; plus strand). Cytogenetic location: 1q31.3.
Variant type: Deletion.
Identifiers: ClinVar variation 4853159 (VCV004853159.1).

ClinVar aggregate classification (germline): Benign (1 of 4 stars; one submission).

Submission:

Women's Health and Genetics/Laboratory Corporation of America, LabCorp
Classification: Benign. Last evaluated: 2026-05-13. Review status: criteria provided, single submitter. Criteria: LabCorp Variant Classification Summary - May 2015. Collection method: clinical testing. Allele origin: germline.
Comment: Variant summary: The variant involves the deletion of exons 1-10 in the CFHR4 gene. A presumed nomenclature of c.(?_-100)_(*228_?)del has been designated for the purposes of this classification. This deletion includes the entire coding sequence of the gene. As the exact proximal and distal breakpoints are unknown, it may extend beyond the annotated region of the gene to include other flanking genes. Current evidence is not sufficient to establish loss of function as a mechanism for disease. The variant allele was found at a frequency of 0.025 in 21690 control chromosomes in the gnomAD database, including 8 homozygotes. The observed variant frequency exceeds the estimated maximal expected allele frequency for disease-causing variants in CFHR4. To our knowledge, no occurrence of c.(?_-100)_(*228_?)del in individuals affected with CFHR4-related conditions and no experimental evidence demonstrating its impact on protein function have been reported. No submitters have cited clinical-significance assessments for this variant to ClinVar. Based on the evidence outlined above, the variant was classified as benign.